The following is an entry in ClinVar:

NM_213655.5(WNK1):c.2833C>T (p.Arg945Trp)

Gene: WNK1 (WNK lysine deficient protein kinase 1; plus strand). Cytogenetic location: 12p13.33.
Variant type: single nucleotide variant.
Coding change: c.2833C>T on transcript NM_213655.5 (MANE Plus Clinical); coding-DNA position 2833, C replaced by T.
Protein change: p.Arg945Trp; replaces arginine 945 with tryptophan.
Molecular consequence: missense variant. On other transcripts: intron variant (2).
Genome position (GRCh38, 1-based): chr12:868,304, C>T. VCF-style: chr12-868304-C-T. GRCh37 (hg19) VCF-style: chr12-977470-C-T.
Other names: c.2578C>T, p.Arg860Trp (NM_001184985.2); c.2140-2961C>T (NM_018979.4, NM_014823.3); c.2578C>T (NM_001184985.1); short protein forms R945W, R860W.
Identifiers: ClinVar variation 393031 (VCV000393031.18), dbSNP rs185749579, ClinGen allele CA6382247.

ClinVar aggregate classification (germline): Uncertain significance. Review status: criteria provided, multiple submitters, no conflicts (2 of 4 stars). 6 submissions from 6 submitters: Uncertain significance (6). Last evaluated 2026-09-04.

Conditions:
WNK1-related disorder. Also called: WNK1-related condition.
Inborn genetic diseases. Identifiers: MedGen C0950123, MeSH D030342.
Pseudohypoaldosteronism type 2C (PHA2C). Also called: Pseudohypoaldosteronism Type IIC. Identifiers: Orphanet 757, Orphanet 88940, MedGen C1840391, MONDO:0013778, OMIM 614492.
Neuropathy, hereditary sensory and autonomic, type 2A (HSAN2A). Also called: ACROOSTEOLYSIS, GIACCAI TYPE; ACROOSTEOLYSIS, NEUROGENIC; WNK1-Related HSAN2 (HSAN2A); MORVAN DISEASE; NEUROPATHY, CONGENITAL SENSORY; NEUROPATHY, HEREDITARY SENSORY RADICULAR, AUTOSOMAL RECESSIVE. Identifiers: Orphanet 970, MedGen C2752089, MONDO:0024309, OMIM 201300.

Allele frequency attached by ClinVar (database versions not stated): TOPMed 0.00004; gnomAD 0.00006 and 0.00009; ExAC 0.00007; ESP Exome Variant Server 0.00008; 1000 Genomes Project 30x 0.00016; 1000 Genomes Project 0.00020.
gnomAD v4.1: 187 of 1,609,958 alleles (0.012%); highest among the groups gnomAD compares: Non-Finnish European, 0.014%; no homozygotes.

Submissions (6):

PreventionGenetics, part of Exact Sciences
Classification: Uncertain significance for WNK1-related condition. Last evaluated: 2026-09-04. Review status: criteria provided, single submitter. Criteria: ACMG Guidelines, 2015. Collection method: clinical testing. Allele origin: germline.
Comment: The WNK1 c.2578C>T variant is predicted to result in the amino acid substitution p.Arg860Trp. To our knowledge, this variant has not been reported in the literature. This variant is reported in 0.0081% of alleles in individuals of European (Non-Finnish) descent in gnomAD. At this time, the clinical significance of this variant is uncertain due to the absence of conclusive functional and genetic evidence.

Labcorp Genetics (formerly Invitae), Labcorp
Classification: Uncertain significance for Neuropathy, hereditary sensory and autonomic, type 2A; Pseudohypoaldosteronism type 2C. Last evaluated: 2025-08-28. Review status: criteria provided, single submitter. Criteria: Invitae Variant Classification Sherloc (09022015). Collection method: clinical testing. Allele origin: germline.
Comment: This sequence change replaces arginine, which is basic and polar, with tryptophan, which is neutral and slightly polar, at codon 945 of the WNK1 protein (p.Arg945Trp). This variant is present in population databases (rs185749579, gnomAD 0.008%). This variant has not been reported in the literature in individuals affected with WNK1-related conditions. ClinVar contains an entry for this variant (Variation ID: 393031). Invitae Evidence Modeling of protein sequence and biophysical properties (such as structural, functional, and spatial information, amino acid conservation, physicochemical variation, residue mobility, and thermodynamic stability) indicates that this missense variant is not expected to disrupt WNK1 protein function with a negative predictive value of 95%. In summary, the available evidence is currently insufficient to determine the role of this variant in disease. Therefore, it has been classified as a Variant of Uncertain Significance.

GeneDx
Classification: Uncertain significance. Last evaluated: 2024-11-06. Review status: criteria provided, single submitter. Criteria: GeneDx Variant Classification Process June 2021. Collection method: clinical testing. Allele origin: germline. Affected: yes.
Comment: In silico analysis indicates that this missense variant does not alter protein structure/function; Has not been previously published as pathogenic or benign to our knowledge

Department of Pathology and Laboratory Medicine, Sinai Health System
Classification: Uncertain significance for Neuropathy, hereditary sensory and autonomic, type 2A; Pseudohypoaldosteronism type 2C. Last evaluated: 2022-11-01. Review status: criteria provided, single submitter. Criteria: ACMG Guidelines, 2015. Collection method: research. Allele origin: germline.

Ambry Genetics
Classification: Uncertain significance for Inborn genetic diseases. Last evaluated: 2019-12-10. Review status: criteria provided, single submitter. Criteria: Ambry Variant Classification Scheme 2023. Collection method: clinical testing. Allele origin: germline.
Comment: The p.R945W variant (also known as c.2833C>T), located in coding exon 10 of the WNK1 gene, results from a C to T substitution at nucleotide position 2833. The arginine at codon 945 is replaced by tryptophan, an amino acid with dissimilar properties. This amino acid position is poorly conserved in available vertebrate species. In addition, this alteration is predicted to be tolerated by in silico analysis. Since supporting evidence is limited at this time, the clinical significance of this alteration remains unclear.

Mayo Clinic Laboratories, Mayo Clinic
Classification: Uncertain significance. Last evaluated: 2019-07-15. Review status: criteria provided, single submitter. Criteria: ACMG Guidelines, 2015. Collection method: clinical testing. Allele origin: germline. Observed: 1 variant allele.